The following is an entry in ClinVar:

ClinVar aggregate classification (germline): Benign. Review status: criteria provided, single submitter (1 of 4 stars). 2 submissions from 2 submitters: Benign (1). 1 of the submissions does not count toward it. Last evaluated 2026-01-13.

Conditions:
IFT88-related disorder. Also called: IFT88-related condition.

Allele frequency attached by ClinVar (database versions not stated): gnomAD exomes 0.00136 and 0.00257; ExAC 0.00292; 1000 Genomes Project 30x 0.00453; 1000 Genomes Project 0.00519.
gnomAD v4.1: 2,125 of 1,613,150 alleles (0.13%); highest among the groups gnomAD compares: South Asian, 1.7%; 47 homozygotes.

Submissions (2):

Labcorp Genetics (formerly Invitae), Labcorp
Classification: Benign. Last evaluated: 2026-01-13. Review status: criteria provided, single submitter. Criteria: Invitae Variant Classification Sherloc (09022015). Collection method: clinical testing. Allele origin: germline.

PreventionGenetics, part of Exact Sciences
Classification: Benign for IFT88-related condition. Last evaluated: 2019-10-25. Review status: no assertion criteria provided. Collection method: clinical testing. Allele origin: germline. Not counted in ClinVar's aggregate classification.
Comment: This variant is classified as benign based on ACMG/AMP sequence variant interpretation guidelines (Richards et al. 2015 PMID: 25741868, with internal and published modifications).

NM_006531.5(IFT88):c.2238C>T (p.Ser746=)

Gene: IFT88 (intraflagellar transport 88; plus strand). Cytogenetic location: 13q12.11.
Variant type: single nucleotide variant.
Coding change: c.2238C>T on transcript NM_006531.5 (MANE Select); coding-DNA position 2238, C replaced by T.
Protein change: p.Ser746=; no amino-acid change (serine 746 retained).
Molecular consequence: synonymous variant. On other transcripts: 3 prime UTR variant (1), non-coding transcript variant (5).
Genome position (GRCh38, 1-based): chr13:20,671,035, C>T. VCF-style: chr13-20671035-C-T. GRCh37 (hg19) VCF-style: chr13-21245174-C-T.
Other names: c.2181C>T, p.Ser727= (NM_001318491.2); c.2265C>T, p.Ser755= (NM_001318493.2, NM_001353565.2, NM_001353566.2 and 2 more transcripts); c.2238C>T, p.Ser746= (NM_001353568.2, NM_001353572.2); c.2163C>T, p.Ser721= (NM_001353569.2, NM_001353570.2, NM_001353576.2 and 1 more transcripts); c.2136C>T, p.Ser712= (NM_001353571.2, NM_001353578.2); c.2094C>T, p.Ser698= (NM_001353573.2); c.2079C>T, p.Ser693= (NM_001353574.2); c.*1C>T (NM_001353575.2); and 2 more.
Identifiers: ClinVar variation 1552904 (VCV001552904.10), dbSNP rs202072254, ClinGen allele CA6905709.